The following is an entry in ClinVar:

NM_000516.7(GNAS):c.478C>T (p.Arg160Cys)

Gene: GNAS (GNAS complex locus; plus strand). Cytogenetic location: 20q13.32.
Variant type: single nucleotide variant.
Coding change: c.478C>T on transcript NM_000516.7 (MANE Select); coding-DNA position 478, C replaced by T.
Protein change: p.Arg160Cys; replaces arginine 160 with cysteine.
Molecular consequence: missense variant. On other transcripts: 3 prime UTR variant (2).
Genome position (GRCh38, 1-based): chr20:58,905,428, C>T. VCF-style: chr20-58905428-C-T. GRCh37 (hg19) VCF-style: chr20-57480483-C-T.
Other names: c.481C>T, p.Arg161Cys (NM_001077488.5); c.433C>T, p.Arg145Cys (NM_001077489.4); c.*339C>T (NM_001077490.3); c.301C>T, p.Arg101Cys (NM_001309840.2, NM_001309861.2); c.382C>T, p.Arg128Cys (NM_001410912.1); c.2362C>T, p.Arg788Cys (NM_001410913.1); c.*384C>T (NM_016592.5); c.2407C>T, p.Arg803Cys (NM_080425.4); and 1 more; short protein forms R101C, R128C, R145C, R146C, R160C, R161C, R788C, R803C.
Identifiers: ClinVar variation 2507175 (VCV002507175.4), dbSNP rs2146209821, ClinGen allele CA409451177.

ClinVar aggregate classification (germline): Pathogenic/Likely pathogenic. Review status: criteria provided, multiple submitters, no conflicts (2 of 4 stars). 2 submissions from 2 submitters: Pathogenic (1); Likely pathogenic (1). Last evaluated 2024-10-13.

Submissions (2):

Labcorp Genetics (formerly Invitae), Labcorp
Classification: Pathogenic. Last evaluated: 2024-10-13. Review status: criteria provided, single submitter. Criteria: Invitae Variant Classification Sherloc (09022015). Collection method: clinical testing. Allele origin: germline.
Comment: This sequence change replaces arginine, which is basic and polar, with cysteine, which is neutral and slightly polar, at codon 160 of the GNAS protein (p.Arg160Cys). This variant is not present in population databases (gnomAD no frequency). This missense change has been observed in individuals with autosomal dominant GNAS-related conditions, pseudohypoparathyroidism type 1a, and/or pseudopseudohypoparathyroidism (PMID: 10980525, 23281139, 23884777, 30022773, 31886927, 35991493). This variant is also known as c.301C>T (p.R101C); c.481C>T (p.Arg161Cys). ClinVar contains an entry for this variant (Variation ID: 2507175). Invitae Evidence Modeling of protein sequence and biophysical properties (such as structural, functional, and spatial information, amino acid conservation, physicochemical variation, residue mobility, and thermodynamic stability) indicates that this missense variant is expected to disrupt GNAS protein function with a positive predictive value of 95%. For these reasons, this variant has been classified as Pathogenic.

GeneDx
Classification: Likely pathogenic. Last evaluated: 2024-01-24. Review status: criteria provided, single submitter. Criteria: GeneDx Variant Classification Process June 2021. Collection method: clinical testing. Allele origin: germline. Affected: yes.
Comment: Identified in patients with Albright Hereditary Osteodystrophy or congenital hyperthyroidism referred for genetic testing at GeneDx and in published literature where detailed clinical information and segregation information was not reported for most individuals (PMID: 10980525, 31886927, 35991493, 30022773); In silico analysis supports that this missense variant has a deleterious effect on protein structure/function; Not observed at significant frequency in large population cohorts (gnomAD); This variant is associated with the following publications: (PMID: 10980525, 30022773, 31886927, 31315768, 35991493)

Literature cited by the submitters: PubMed 10980525 (cited by Labcorp Genetics (formerly Invitae), Labcorp); PubMed 23281139 (cited by Labcorp Genetics (formerly Invitae), Labcorp); PubMed 23884777 (cited by Labcorp Genetics (formerly Invitae), Labcorp); PubMed 30022773 (cited by Labcorp Genetics (formerly Invitae), Labcorp); PubMed 31886927 (cited by Labcorp Genetics (formerly Invitae), Labcorp); PubMed 35991493 (cited by Labcorp Genetics (formerly Invitae), Labcorp).